The following is an entry in ClinVar:

NM_024642.5(GALNT12):c.917+6G>A

Gene: GALNT12 (polypeptide N-acetylgalactosaminyltransferase 12; plus strand). Cytogenetic location: 9q22.33.
Variant type: single nucleotide variant.
Coding change: c.917+6G>A on transcript NM_024642.5 (MANE Select); 6 bases into the intron after coding-DNA position 917, G replaced by A.
Molecular consequence: intron variant.
Genome position (GRCh38, 1-based): chr9:98,831,963, G>A. VCF-style: chr9-98831963-G-A. GRCh37 (hg19) VCF-style: chr9-101594245-G-A.
Identifiers: ClinVar variation 1060573 (VCV001060573.6), dbSNP rs2118416565, ClinGen allele CA2499220108.

ClinVar aggregate classification (germline): Uncertain significance (1 of 4 stars; one submission).

Submission:

Labcorp Genetics (formerly Invitae), Labcorp
Classification: Uncertain significance. Last evaluated: 2021-09-01. Review status: criteria provided, single submitter. Criteria: Invitae Variant Classification Sherloc (09022015). Collection method: clinical testing. Allele origin: germline.
Comment: This sequence change falls in intron 4 of the GALNT12 gene. It does not directly change the encoded amino acid sequence of the GALNT12 protein. It affects a nucleotide within the consensus splice site of the intron. This variant is not present in population databases (ExAC no frequency). This variant has not been reported in the literature in individuals affected with GALNT12-related conditions. Variants that disrupt the consensus splice site are a relatively common cause of aberrant splicing (PMID: 17576681, 9536098). Algorithms developed to predict the effect of sequence changes on RNA splicing suggest that this variant is not likely to affect RNA splicing. In summary, the available evidence is currently insufficient to determine the role of this variant in disease. Therefore, it has been classified as a Variant of Uncertain Significance.

Literature cited by the submitters: PubMed 17576681; PubMed 9536098.